The following is an entry in ClinVar:

ClinVar aggregate classification (germline): Uncertain significance. Review status: criteria provided, multiple submitters, no conflicts (2 of 4 stars). 2 submissions from 2 submitters: Uncertain significance (2). Last evaluated 2025-11-08.

Conditions:
Inborn genetic diseases. Identifiers: MedGen C0950123, MeSH D030342.

Allele frequency attached by ClinVar (database versions not stated): ExAC 0.00002; TOPMed 0.00004; gnomAD exomes 0.00001; gnomAD 0.00003.
gnomAD v4.1: 8 of 1,612,620 alleles (0.0005%); highest among the groups gnomAD compares: Admixed American, 0.01%; no homozygotes.

Submissions (2):

Ambry Genetics
Classification: Uncertain significance for Inborn genetic diseases. Last evaluated: 2025-11-08. Review status: criteria provided, single submitter. Criteria: Ambry Variant Classification Scheme 2023. Collection method: clinical testing. Allele origin: germline.

Labcorp Genetics (formerly Invitae), Labcorp
Classification: Uncertain significance. Last evaluated: 2022-02-14. Review status: criteria provided, single submitter. Criteria: Invitae Variant Classification Sherloc (09022015). Collection method: clinical testing. Allele origin: germline.
Comment: In summary, the available evidence is currently insufficient to determine the role of this variant in disease. Therefore, it has been classified as a Variant of Uncertain Significance. Advanced modeling of protein sequence and biophysical properties (such as structural, functional, and spatial information, amino acid conservation, physicochemical variation, residue mobility, and thermodynamic stability) performed at Invitae indicates that this missense variant is not expected to disrupt CYP4V2 protein function. This variant has not been reported in the literature in individuals affected with CYP4V2-related conditions. This variant is present in population databases (rs780201946, gnomAD 0.01%). This sequence change replaces valine, which is neutral and non-polar, with glycine, which is neutral and non-polar, at codon 108 of the CYP4V2 protein (p.Val108Gly).

NM_207352.4(CYP4V2):c.323T>G (p.Val108Gly)

Gene: CYP4V2 (cytochrome P450 family 4 subfamily V member 2; plus strand). Cytogenetic location: 4q35.1.
Variant type: single nucleotide variant.
Coding change: c.323T>G on transcript NM_207352.4 (MANE Select); coding-DNA position 323, T replaced by G.
Protein change: p.Val108Gly; replaces valine 108 with glycine.
Molecular consequence: missense variant.
Genome position (GRCh38, 1-based): chr4:186,194,608, T>G. VCF-style: chr4-186194608-T-G. GRCh37 (hg19) VCF-style: chr4-187115762-T-G.
Other names: c.323T>G (NM_207352.3); short protein forms V108G.
Identifiers: ClinVar variation 2055213 (VCV002055213.4), dbSNP rs780201946, ClinGen allele CA3162500.
Genomic context (GRCh38, chr4:186,194,608, plus strand): 5'-CGCTGCTGAAGCTCTGGGTCGGGCCAGTGCCCATGGTGGCCCTTTATAATGCAGAAAATG[T>G]GGAGGTGGGTACATGTGAATATGATCAGTATTGTACTGTGTATCTGACAGTGTGAGAATC-3'
Protein context (NP_997235.3, residues 98-118): PMVALYNAEN[Val108Gly]EVILTSSKQI